The following is an entry in ClinVar:

ClinVar aggregate classification (germline): Uncertain significance (1 of 4 stars; one submission).

Conditions:
Hereditary spastic paraplegia 7 (SPG7). Also called: Autosomal recessive spastic paraplegia type 7; SPG7-related neurologic disorder; SPASTIC PARAPLEGIA 7, AUTOSOMAL RECESSIVE, WITH OR WITHOUT CEREBELLAR ATAXIA; Spastic paraplegia 7; Hereditary spastic paraplegia Paraplegin type. Identifiers: Orphanet 99013, MedGen C1846564, MONDO:0011803, OMIM 607259.

gnomAD v4.1: 9 of 1,502,240 alleles (0.0006%); highest among the groups gnomAD compares: South Asian, 0.005%; no homozygotes.

Submission:

Labcorp Genetics (formerly Invitae), Labcorp
Classification: Uncertain significance for Hereditary spastic paraplegia 7. Last evaluated: 2024-10-16. Review status: criteria provided, single submitter. Criteria: Invitae Variant Classification Sherloc (09022015). Collection method: clinical testing. Allele origin: germline.
Comment: This sequence change replaces alanine, which is neutral and non-polar, with serine, which is neutral and polar, at codon 10 of the SPG7 protein (p.Ala10Ser). The frequency data for this variant in the population databases is considered unreliable, as metrics indicate poor data quality at this position in the gnomAD database. This missense change has been observed in individual(s) with hereditary spastic paraplegia (PMID: 14985266). ClinVar contains an entry for this variant (Variation ID: 1469309). Invitae Evidence Modeling of protein sequence and biophysical properties (such as structural, functional, and spatial information, amino acid conservation, physicochemical variation, residue mobility, and thermodynamic stability) indicates that this missense variant is not expected to disrupt SPG7 protein function with a negative predictive value of 95%. In summary, the available evidence is currently insufficient to determine the role of this variant in disease. Therefore, it has been classified as a Variant of Uncertain Significance.

Literature cited by the submitters: PubMed 14985266.

NM_003119.4(SPG7):c.28G>T (p.Ala10Ser)

Genes: SPG7 (SPG7 matrix AAA peptidase subunit, paraplegin; plus strand), LOC130059818 (ATAC-STARR-seq lymphoblastoid silent region 7911; plus strand). Cytogenetic location: 16q24.3.
Variant type: single nucleotide variant.
Coding change: c.28G>T on transcript NM_003119.4 (MANE Select); coding-DNA position 28, G replaced by T.
Protein change: p.Ala10Ser; replaces alanine 10 with serine.
Molecular consequence: missense variant.
Genome position (GRCh38, 1-based): chr16:89,508,445, G>T. VCF-style: chr16-89508445-G-T. GRCh37 (hg19) VCF-style: chr16-89574853-G-T.
Other names: c.28G>T, p.Ala10Ser (NM_001363850.1, NM_199367.3); short protein forms A10S.
Identifiers: ClinVar variation 1469309 (VCV001469309.6), dbSNP rs577872969, ClinGen allele CA397415853.